The following is an entry in ClinVar:

NM_001364905.1(LRBA):c.7311C>T (p.Thr2437=)

Gene: LRBA (LPS responsive beige-like anchor protein; minus strand). Cytogenetic location: 4q31.3.
Variant type: single nucleotide variant.
Coding change: c.7311C>T on transcript NM_001364905.1 (MANE Select); coding-DNA position 7311, C replaced by T.
Protein change: p.Thr2437=; no amino-acid change (threonine 2437 retained).
Molecular consequence: synonymous variant.
Genome position (GRCh38, 1-based): chr4:150,350,043, G>A on the plus strand (C>T on the coding strand, the complement: LRBA is on the minus strand). VCF-style: chr4-150350043-G-A. GRCh37 (hg19) VCF-style: chr4-151271195-G-A.
Other names: c.7311C>T, p.Thr2437= (NM_001199282.3, NM_001367550.1); c.7344C>T, p.Thr2448= (NM_006726.5).
Identifiers: ClinVar variation 3388369 (VCV003388369.14).

ClinVar aggregate classification (germline): Likely benign (1 of 4 stars; one submission).

Submission:

CeGaT Center for Human Genetics Tuebingen
Classification: Likely benign. Last evaluated: 2024-11-01. Review status: criteria provided, single submitter. Criteria: CeGaT Center For Human Genetics Tuebingen Variant Classification Criteria Version 2. Collection method: clinical testing. Allele origin: germline. Affected: yes. Observed: 1 variant allele.
Comment: LRBA: PM2:Supporting, BP4, BP7